The following is an entry in ClinVar:

NM_003060.4(SLC22A5):c.1582A>T (p.Lys528Ter)

Gene: SLC22A5 (solute carrier family 22 member 5; plus strand). Cytogenetic location: 5q31.1.
Variant type: single nucleotide variant.
Coding change: c.1582A>T on transcript NM_003060.4 (MANE Select); coding-DNA position 1582, A replaced by T.
Protein change: p.Lys528Ter; replaces lysine 528 with a stop codon.
Molecular consequence: nonsense.
Genome position (GRCh38, 1-based): chr5:132,393,807, A>T. VCF-style: chr5-132393807-A-T. GRCh37 (hg19) VCF-style: chr5-131729499-A-T.
Other names: c.1654A>T, p.Lys552Ter (NM_001308122.2); short protein forms K528*, K552*.
Identifiers: ClinVar variation 2008205 (VCV002008205.1), dbSNP rs1454981923, ClinGen allele CA360810062.
Genomic context (GRCh38, chr5:132,393,807, plus strand): 5'-TTTCTCCCAGAGAGCTTCGGTACCCCACTCCCAGACACCATTGACCAGATGCTAAGAGTC[A>T]AAGGGTAAGAAGACCTCCTCTGTCAGTGTTGATGCACTGGGTCTGGGTCTGGCCAGGTCT-3'

ClinVar aggregate classification (germline): Uncertain significance (1 of 4 stars; one submission).

Conditions:
Renal carnitine transport defect (CDSP). Also called: Carnitine transporter deficiency; Carnitine Deficiency, Systemic; Systemic primary carnitine deficiency; CARNITINE DEFICIENCY, SYSTEMIC, DUE TO DEFECT IN RENAL REABSORPTION OF CARNITINE; CARNITINE TRANSPORTER, PLASMA-MEMBRANE, DEFICIENCY OF; CARNITINE UPTAKE DEFECT. Identifiers: Orphanet 158, MedGen C0342788, MONDO:0008919, OMIM 212140.

Submission:

Labcorp Genetics (formerly Invitae), Labcorp
Classification: Uncertain significance for Renal carnitine transport defect. Last evaluated: 2022-09-13. Review status: criteria provided, single submitter. Criteria: Invitae Variant Classification Sherloc (09022015). Collection method: clinical testing. Allele origin: germline.
Comment: This sequence change creates a premature translational stop signal (p.Lys528*) in the SLC22A5 gene. While this is not anticipated to result in nonsense mediated decay, it is expected to disrupt the last 30 amino acid(s) of the SLC22A5 protein. This variant is not present in population databases (gnomAD no frequency). This variant has not been reported in the literature in individuals affected with SLC22A5-related conditions. Experimental studies and prediction algorithms are not available or were not evaluated, and the functional significance of this variant is currently unknown. In summary, the available evidence is currently insufficient to determine the role of this variant in disease. Therefore, it has been classified as a Variant of Uncertain Significance.